The following is an entry in ClinVar:

ClinVar aggregate classification (germline): Likely pathogenic (1 of 4 stars; one submission).

Conditions:
Citrin deficiency. Identifiers: Orphanet 247582, MedGen C1997910, MONDO:0016602.

Submission:

Labcorp Genetics (formerly Invitae), Labcorp
Classification: Likely pathogenic for Citrin deficiency. Last evaluated: 2023-12-07. Review status: criteria provided, single submitter. Criteria: Invitae Variant Classification Sherloc (09022015). Collection method: clinical testing. Allele origin: germline.
Comment: This sequence change replaces glycine, which is neutral and non-polar, with glutamic acid, which is acidic and polar, at codon 439 of the SLC25A13 protein (p.Gly439Glu). This variant is not present in population databases (gnomAD no frequency). This missense change has been observed in individual(s) with citrin deficiency (Invitae). In at least one individual the data is consistent with being in trans (on the opposite chromosome) from a pathogenic variant. Advanced modeling of protein sequence and biophysical properties (such as structural, functional, and spatial information, amino acid conservation, physicochemical variation, residue mobility, and thermodynamic stability) performed at Invitae indicates that this missense variant is expected to disrupt SLC25A13 protein function with a positive predictive value of 80%. In summary, the currently available evidence indicates that the variant is pathogenic, but additional data are needed to prove that conclusively. Therefore, this variant has been classified as Likely Pathogenic.

NM_014251.3(SLC25A13):c.1316G>A (p.Gly439Glu)

Gene: SLC25A13 (solute carrier family 25 member 13; minus strand). Cytogenetic location: 7q21.3.
Variant type: single nucleotide variant.
Coding change: c.1316G>A on transcript NM_014251.3 (MANE Select); coding-DNA position 1316, G replaced by A.
Protein change: p.Gly439Glu; replaces glycine 439 with glutamic acid.
Molecular consequence: missense variant. On other transcripts: non-coding transcript variant (1).
Genome position (GRCh38, 1-based): chr7:96,146,692, C>T on the plus strand (G>A on the coding strand, the complement: SLC25A13 is on the minus strand). VCF-style: chr7-96146692-C-T. GRCh37 (hg19) VCF-style: chr7-95776004-C-T.
Other names: c.1319G>A, p.Gly440Glu (NM_001160210.2); short protein forms G439E, G440E.
Identifiers: ClinVar variation 2695324 (VCV002695324.3), dbSNP rs1792814581, ClinGen allele CA368256183.